The following is an entry in ClinVar:

ClinVar aggregate classification (germline): Uncertain significance (1 of 4 stars; one submission).

Conditions:
Hereditary diffuse gastric adenocarcinoma (HDGC). Also called: DIFFUSE GASTRIC AND LOBULAR BREAST CANCER SYNDROME. Identifiers: Orphanet 26106, MedGen C1708349, MONDO:0007648, OMIM 137215.

Submission:

Labcorp Genetics (formerly Invitae), Labcorp
Classification: Uncertain significance for Hereditary diffuse gastric cancer. Last evaluated: 2018-02-12. Review status: criteria provided, single submitter. Criteria: Invitae Variant Classification Sherloc (09022015). Collection method: clinical testing. Allele origin: germline.
Comment: This variant is a gross duplication of the genomic region encompassing exon 16 of the CDH1 gene. The 5' boundary is likely confined to intron 15. The 3' end of this event is unknown as it extends beyond the assayed region for this gene and therefore may encompass additional genes. The exact location of this variant in the genome is unknown. This variant has not been reported in the literature in individuals with CDH1-related disease. Experimental studies and prediction algorithms are not available for this variant, and the functional significance of the duplicated/ amino acids is currently unknown. In summary, the available evidence is currently insufficient to determine the role of this variant in disease. Therefore, it has been classified as a Variant of Uncertain Significance.

NC_000016.9:g.(?_68867187)_(68867408_?)dup

Gene: CDH1 (cadherin 1; plus strand). Cytogenetic location: 16q22.1.
Variant type: Duplication.
Identifiers: ClinVar variation 583416 (VCV000583416.1).